The following is an entry in ClinVar:

ClinVar aggregate classification (germline): Uncertain significance. Review status: criteria provided, multiple submitters, no conflicts (2 of 4 stars). 2 submissions from 2 submitters: Uncertain significance (2). Last evaluated 2023-10-09.

Allele frequency attached by ClinVar (database versions not stated): 1000 Genomes Project 30x 0.00016; ExAC 0.00016; TOPMed 0.00020; gnomAD 0.00021; ESP Exome Variant Server 0.00038; gnomAD exomes 0.00040.
gnomAD v4.1: 599 of 1,614,204 alleles (0.037%); highest among the groups gnomAD compares: Non-Finnish European, 0.049%; no homozygotes.

Submissions (2):

Labcorp Genetics (formerly Invitae), Labcorp
Classification: Uncertain significance. Last evaluated: 2023-10-09. Review status: criteria provided, single submitter. Criteria: Invitae Variant Classification Sherloc (09022015). Collection method: clinical testing. Allele origin: germline.
Comment: This sequence change replaces tryptophan, which is neutral and slightly polar, with cysteine, which is neutral and slightly polar, at codon 439 of the ESR2 protein (p.Trp439Cys). This variant is present in population databases (rs113652563, gnomAD 0.03%). This variant has not been reported in the literature in individuals affected with ESR2-related conditions. ClinVar contains an entry for this variant (Variation ID: 2278270). Advanced modeling of protein sequence and biophysical properties (such as structural, functional, and spatial information, amino acid conservation, physicochemical variation, residue mobility, and thermodynamic stability) has been performed at Invitae for this missense variant, however the output from this modeling did not meet the statistical confidence thresholds required to predict the impact of this variant on ESR2 protein function. In summary, the available evidence is currently insufficient to determine the role of this variant in disease. Therefore, it has been classified as a Variant of Uncertain Significance.

Ambry Genetics
Classification: Uncertain significance. Last evaluated: 2021-08-13. Review status: criteria provided, single submitter. Criteria: Ambry Variant Classification Scheme 2023. Collection method: clinical testing. Allele origin: germline.

NM_001437.3(ESR2):c.1317G>T (p.Trp439Cys)

Gene: ESR2 (estrogen receptor 2; minus strand). Cytogenetic location: 14q23.2.
Variant type: single nucleotide variant.
Coding change: c.1317G>T on transcript NM_001437.3 (MANE Select); coding-DNA position 1317, G replaced by T.
Protein change: p.Trp439Cys; replaces tryptophan 439 with cysteine.
Molecular consequence: missense variant. On other transcripts: non-coding transcript variant (2).
Genome position (GRCh38, 1-based): chr14:64,235,059, C>A on the plus strand (G>T on the coding strand, the complement: ESR2 is on the minus strand). VCF-style: chr14-64235059-C-A. GRCh37 (hg19) VCF-style: chr14-64701777-C-A.
Other names: c.1317G>T, p.Trp439Cys (NM_001040275.1, NM_001214902.1, NM_001271876.1 and 2 more transcripts); c.1044G>T, p.Trp348Cys (NM_001271877.1); short protein forms W348C, W439C.
Identifiers: ClinVar variation 2278270 (VCV002278270.5), dbSNP rs113652563, ClinGen allele CA7225236.